The following is an entry in ClinVar:

NM_005026.5(PIK3CD):c.1495G>A (p.Glu499Lys)

Gene: PIK3CD (phosphatidylinositol-4,5-bisphosphate 3-kinase catalytic subunit delta; plus strand). Cytogenetic location: 1p36.22.
Variant type: single nucleotide variant.
Coding change: c.1495G>A on transcript NM_005026.5 (MANE Select); coding-DNA position 1495, G replaced by A.
Protein change: p.Glu499Lys; replaces glutamic acid 499 with lysine.
Molecular consequence: missense variant.
Genome position (GRCh38, 1-based): chr1:9,720,635, G>A. VCF-style: chr1-9720635-G-A. GRCh37 (hg19) VCF-style: chr1-9780693-G-A.
Other names: c.1495G>A, p.Glu499Lys (NM_001350234.2); c.1408G>A, p.Glu470Lys (NM_001350235.1); short protein forms E470K, E499K.
Identifiers: ClinVar variation 1492348 (VCV001492348.8), dbSNP rs767714303, ClinGen allele CA577233.

ClinVar aggregate classification (germline): Uncertain significance (1 of 4 stars; one submission).

Conditions:
Immunodeficiency 14 (IMD14A). Also called: ACTIVATED PI3K-DELTA SYNDROME 1; Activated PI3K Delta Syndrome Type 1 (APDS1); p110-DELTA-ACTIVATING MUTATION CAUSING SENESCENT T CELLS, LYMPHADENOPATHY, AND IMMUNODEFICIENCY; IMMUNODEFICIENCY 14A WITH LYMPHOPROLIFERATION, AUTOSOMAL DOMINANT. Identifiers: Orphanet 397596, Orphanet 693661, MedGen C5907821, MONDO:0014222, OMIM 615513.

Allele frequency attached by ClinVar (database versions not stated): gnomAD 0.00001; gnomAD exomes 0.00001; ExAC 0.00006.
gnomAD v4.1: 21 of 1,501,552 alleles (0.0014%); highest among the groups gnomAD compares: Admixed American, 0.002%; no homozygotes.

Submission:

Labcorp Genetics (formerly Invitae), Labcorp
Classification: Uncertain significance for Activated PI3K-delta syndrome. Last evaluated: 2024-07-23. Review status: criteria provided, single submitter. Criteria: Invitae Variant Classification Sherloc (09022015). Collection method: clinical testing. Allele origin: germline.
Comment: This sequence change replaces glutamic acid, which is acidic and polar, with lysine, which is basic and polar, at codon 499 of the PIK3CD protein (p.Glu499Lys). This variant is present in population databases (rs767714303, gnomAD 0.004%). This missense change has been observed in individual(s) with PIK3CD-related conditions (Mandola et al. LymphoSign Journal. 2020. Vol 7). ClinVar contains an entry for this variant (Variation ID: 1492348). Advanced modeling of protein sequence and biophysical properties (such as structural, functional, and spatial information, amino acid conservation, physicochemical variation, residue mobility, and thermodynamic stability) performed at Invitae indicates that this missense variant is not expected to disrupt PIK3CD protein function with a negative predictive value of 80%. This variant disrupts the p.Glu499 amino acid residue in PIK3CD. Other variant(s) that disrupt this residue have been observed in individuals with PIK3CD-related conditions (PMID: 35753512), which suggests that this may be a clinically significant amino acid residue. In summary, the available evidence is currently insufficient to determine the role of this variant in disease. Therefore, it has been classified as a Variant of Uncertain Significance.

Literature cited by the submitters: PubMed 35753512.